The following is an entry in ClinVar:

ClinVar aggregate classification (germline): Uncertain significance (1 of 4 stars; one submission).

Allele frequency attached by ClinVar (database versions not stated): gnomAD exomes below 0.00001.
gnomAD v4.1: 8 of 1,614,250 alleles (0.0005%); highest among the groups gnomAD compares: Non-Finnish European, 0.00042%; no homozygotes.

Submission:

Labcorp Genetics (formerly Invitae), Labcorp
Classification: Uncertain significance. Last evaluated: 2025-11-13. Review status: criteria provided, single submitter. Criteria: Invitae Variant Classification Sherloc (09022015). Collection method: clinical testing. Allele origin: germline.
Comment: This sequence change falls in intron 40 of the SNRNP200 gene. It does not directly change the encoded amino acid sequence of the SNRNP200 protein. It affects a nucleotide within the consensus splice site. This variant is not present in population databases (gnomAD no frequency). This variant has not been reported in the literature in individuals affected with SNRNP200-related conditions. ClinVar contains an entry for this variant (Variation ID: 2911188). Variants that disrupt the consensus splice site are a relatively common cause of aberrant splicing (PMID: 17576681, 9536098). Algorithms developed to predict the effect of sequence changes on RNA splicing suggest that this variant is not likely to affect RNA splicing. In summary, the available evidence is currently insufficient to determine the role of this variant in disease. Therefore, it has been classified as a Variant of Uncertain Significance.

Literature cited by the submitters: PubMed 17576681; PubMed 9536098.

NM_014014.5(SNRNP200):c.5754+4G>A

Gene: SNRNP200 (small nuclear ribonucleoprotein U5 subunit 200; minus strand). Cytogenetic location: 2q11.2.
Variant type: single nucleotide variant.
Coding change: c.5754+4G>A on transcript NM_014014.5 (MANE Select); 4 bases into the intron after coding-DNA position 5754, G replaced by A.
Molecular consequence: intron variant.
Genome position (GRCh38, 1-based): chr2:96,277,803, C>T on the plus strand (G>A on the coding strand, the complement: SNRNP200 is on the minus strand). VCF-style: chr2-96277803-C-T. GRCh37 (hg19) VCF-style: chr2-96943541-C-T.
Identifiers: ClinVar variation 2911188 (VCV002911188.3), dbSNP rs2467312150, ClinGen allele CA2660181369.
Genomic context (GRCh38, chr2:96,277,803, plus strand): 5'-GGCGGAGTTGGAGCTGAGATGTTTAGAGCACCACTGACCCCTCTGCCCCACACCCACACT[C>T]TACCTTACTAAGGATTTCCTCCGTATCTGACTGCAACTCAGCACTCAGCTGCATGCGAGA-3'